The following is an entry in ClinVar:

NM_174936.4(PCSK9):c.286C>A (p.Arg96Ser)

Gene: PCSK9 (proprotein convertase subtilisin/kexin type 9; plus strand). Cytogenetic location: 1p32.3.
Variant type: single nucleotide variant.
Coding change: c.286C>A on transcript NM_174936.4 (MANE Select); coding-DNA position 286, C replaced by A.
Protein change: p.Arg96Ser; replaces arginine 96 with serine.
Molecular consequence: missense variant. On other transcripts: 5 prime UTR variant (1), non-coding transcript variant (6), intron variant (1).
Genome position (GRCh38, 1-based): chr1:55,043,921, C>A. VCF-style: chr1-55043921-C-A. GRCh37 (hg19) VCF-style: chr1-55509594-C-A.
Other names: c.409C>A, p.Arg137Ser (NM_001407240.1); c.286C>A, p.Arg96Ser (NM_001407241.1, NM_001407242.1, NM_001407243.1 and 2 more transcripts); c.-90C>A (NM_001407246.1); c.208-2602C>A (NM_001407245.1); short protein forms R137S, R96S.
Identifiers: ClinVar variation 3387424 (VCV003387424.2).

ClinVar aggregate classification (germline): Uncertain significance. Review status: criteria provided, multiple submitters, no conflicts (2 of 4 stars). 2 submissions from 2 submitters: Uncertain significance (2). Last evaluated 2024-02-22.

Conditions:
Hypercholesterolemia, autosomal dominant, 3 (FHCL3). Also called: Familial Hypercholesterolemia, Autosomal Dominant, 3; PCSK9-Related Familial Hypercholesterolemia, Autosomal Dominant; Familial hypercholesterolemia 3. Identifiers: MedGen C1863551, MONDO:0011369, OMIM 603776.
Familial hypercholesterolemia. Also called: Familial hypercholesterolemias; Familial hypercholesterolaemia. Identifiers: MedGen C0020445, MONDO:0005439.

gnomAD v4.1: 1 of 1,614,186 alleles (0.000062%); highest among the groups gnomAD compares: South Asian, 0.0011%; no homozygotes.

Submissions (2):

All of Us Research Program, National Institutes of Health
Classification: Uncertain significance for Hypercholesterolemia, autosomal dominant, 3. Last evaluated: 2024-02-22. Review status: criteria provided, single submitter. Criteria: ACMG Guidelines, 2015. Collection method: clinical testing. Allele origin: germline. Inheritance: Autosomal dominant inheritance. Observed: 1 variant allele, 1 heterozygote.
Comment: This missense variant replaces arginine with serine at codon 96 of the PCSK9 protein. Computational prediction suggests that this variant may not impact protein structure and function (internally defined REVEL score threshold <= 0.5, PMID: 27666373). To our knowledge, functional studies have not been reported for this variant. This variant has not been reported in individuals affected with PCSK9-related disorders in the literature. This variant has not been identified in the general population by the Genome Aggregation Database (gnomAD). The available evidence is insufficient to determine the role of this variant in disease conclusively. Therefore, this variant is classified as a Variant of Uncertain Significance.

This study involves interpretation of variants in research participants for the purpose of population health screening. Participant phenotype was not available at the time of variant classification. Additional details can be found in publication PMID: 35346344, PMCID: PMC8962531

Color Diagnostics, LLC DBA Color Health
Classification: Uncertain significance for Familial hypercholesterolemia. Last evaluated: 2024-01-29. Review status: criteria provided, single submitter. Criteria: ACMG Guidelines, 2015. Collection method: clinical testing. Allele origin: germline.
Comment: This missense variant replaces arginine with serine at codon 96 of the PCSK9 protein. Computational prediction suggests that this variant may not impact protein structure and function. To our knowledge, functional studies have not been reported for this variant. This variant has not been reported in individuals affected with PCSK9-related disorders in the literature. This variant has not been identified in the general population by the Genome Aggregation Database (gnomAD). The available evidence is insufficient to determine the role of this variant in disease conclusively. Therefore, this variant is classified as a Variant of Uncertain Significance.